The following is an entry in ClinVar:

NM_007294.4(BRCA1):c.1741A>G (p.Lys581Glu)

Gene: BRCA1 (BRCA1 DNA repair associated; minus strand). Cytogenetic location: 17q21.31.
Variant type: single nucleotide variant.
Coding change: c.1741A>G on transcript NM_007294.4 (MANE Select); coding-DNA position 1741, A replaced by G.
Protein change: p.Lys581Glu; replaces lysine 581 with glutamic acid.
Molecular consequence: missense variant. On other transcripts: intron variant (137).
Genome position (GRCh38, 1-based): chr17:43,093,790, T>C on the plus strand (A>G on the coding strand, the complement: BRCA1 is on the minus strand). VCF-style: chr17-43093790-T-C. GRCh37 (hg19) VCF-style: chr17-41245807-T-C.
Other names: c.1528A>G, p.Lys510Glu (NM_001407571.1, NM_001407853.1, NM_001407894.1 and 9 more transcripts); c.1741A>G, p.Lys581Glu (NM_001407581.1, NM_001407582.1, NM_001407583.1 and 30 more transcripts); c.1738A>G, p.Lys580Glu (NM_001407587.1, NM_001407590.1, NM_001407591.1 and 22 more transcripts); c.1360A>G, p.Lys454Glu (NM_001407960.1, NM_001407963.1, NM_001407959.1); c.1357A>G, p.Lys453Glu (NM_001407962.1); c.1597A>G, p.Lys533Glu (NM_001407964.1, NM_001407740.1, NM_001407741.1 and 20 more transcripts); c.1237A>G, p.Lys413Glu (NM_001407965.1); c.853A>G, p.Lys285Glu (NM_001407966.1, NM_001407967.1); and 40 more; short protein forms K285E, K413E, K453E, K454E, K469E, K470E, K492E, K493E.
Identifiers: ClinVar variation 4800853 (VCV004800853.1).

ClinVar aggregate classification (germline): Uncertain significance (1 of 4 stars; one submission).

Conditions:
Hereditary breast ovarian cancer syndrome. Also called: Hereditary breast and ovarian cancer syndrome (HBOC); Hereditary breast and ovarian cancer; Breast and ovarian cancer; Hereditary breast and/or ovarian cancer syndrome; BRCA1- and BRCA2-Associated Hereditary Breast and Ovarian Cancer; Hereditary breast and ovarian cancer syndrome. Identifiers: Orphanet 145, MedGen C0677776, MeSH D061325, MONDO:0003582. Disease mechanism: loss of function.

Submission:

Labcorp Genetics (formerly Invitae), Labcorp
Classification: Uncertain significance for Hereditary breast ovarian cancer syndrome. Last evaluated: 2025-04-17. Review status: criteria provided, single submitter. Criteria: Invitae Variant Classification Sherloc (09022015). Collection method: clinical testing. Allele origin: germline.
Comment: This sequence change replaces lysine, which is basic and polar, with glutamic acid, which is acidic and polar, at codon 581 of the BRCA1 protein (p.Lys581Glu). This variant is not present in population databases (gnomAD no frequency). This variant has not been reported in the literature in individuals affected with BRCA1-related conditions. Invitae Evidence Modeling of protein sequence and biophysical properties (such as structural, functional, and spatial information, amino acid conservation, physicochemical variation, residue mobility, and thermodynamic stability) indicates that this missense variant is not expected to disrupt BRCA1 protein function with a negative predictive value of 80%. In summary, the available evidence is currently insufficient to determine the role of this variant in disease. Therefore, it has been classified as a Variant of Uncertain Significance.